The following is an entry in ClinVar:

NM_020708.5(SLC12A5):c.1985_1987dup (p.Glu662dup)

Gene: SLC12A5 (solute carrier family 12 member 5; plus strand). Cytogenetic location: 20q13.12.
Variant type: Duplication.
Coding change: c.1985_1987dup on transcript NM_020708.5 (MANE Select); coding-DNA positions 1985 to 1987, 3 bases duplicated (AAG; older notation c.1985_1987dupAAG).
Protein change: p.Glu662dup; duplicates glutamic acid 662.
Molecular consequence: inframe insertion.
Genome position (GRCh38, 1-based): chr20:46,048,058-46,048,060, AAG duplicated; duplicating any 3 consecutive bases within chr20:46,048,057-46,048,060 gives the same sequence; the c. name uses the placement nearest the transcript's 3' end. VCF-style (leftmost placement, unchanged base first): chr20-46048056-G-GGAA. GRCh37 (hg19) VCF-style: chr20-44676695-G-GGAA.
Other names: c.2054_2056dup, p.Glu685dup (NM_001134771.2).
Identifiers: ClinVar variation 1375549 (VCV001375549.6), dbSNP rs2145497390, ClinGen allele CA2573157113.

ClinVar aggregate classification (germline): Uncertain significance (1 of 4 stars; one submission).

Conditions:
Developmental and epileptic encephalopathy, 34 (DEE34). Also called: Early infantile epileptic encephalopathy 34; SLC12A5-Related Epilepsy of Infancy with Migrating Focal Seizures. Identifiers: Orphanet 293181, MedGen C4225257, MONDO:0014718, OMIM 616645.

Submission:

Labcorp Genetics (formerly Invitae), Labcorp
Classification: Uncertain significance for Developmental and epileptic encephalopathy, 34. Last evaluated: 2024-10-24. Review status: criteria provided, single submitter. Criteria: Invitae Variant Classification Sherloc (09022015). Collection method: clinical testing. Allele origin: germline.
Comment: This variant, c.1985_1987dup, results in the insertion of 1 amino acid(s) of the SLC12A5 protein (p.Glu662dup), but otherwise preserves the integrity of the reading frame. This variant is not present in population databases (gnomAD no frequency). This variant has not been reported in the literature in individuals affected with SLC12A5-related conditions. ClinVar contains an entry for this variant (Variation ID: 1375549). Experimental studies and prediction algorithms are not available or were not evaluated, and the functional significance of this variant is currently unknown. In summary, the available evidence is currently insufficient to determine the role of this variant in disease. Therefore, it has been classified as a Variant of Uncertain Significance.